The following is an entry in ClinVar:

NM_000069.3(CACNA1S):c.4871_4874del (p.Asn1624fs)

Gene: CACNA1S (calcium voltage-gated channel subunit alpha1 S; minus strand). Cytogenetic location: 1q32.1.
Variant type: Deletion.
Coding change: c.4871_4874del on transcript NM_000069.3 (MANE Select); coding-DNA positions 4871 to 4874, 4 bases deleted (ATCA; older notation c.4871_4874delATCA).
Protein change: p.Asn1624fs; shifts the reading frame from asparagine 1624.
Molecular consequence: frameshift variant.
Genome position (GRCh38, 1-based): chr1:201,043,455-201,043,458, TGAT deleted on the plus strand (ATCA on the coding strand, the reverse complement: CACNA1S is on the minus strand); deleting any 4 consecutive bases within chr1:201,043,455-201,043,460 gives the same sequence; the c. name uses the placement nearest the transcript's 3' end. VCF-style (leftmost placement, unchanged base first): chr1-201043454-CTGAT-C. GRCh37 (hg19) VCF-style: chr1-201012582-CTGAT-C.
Other names: c.4871_4874del (NM_000069.2); short protein forms N1624fs.
Identifiers: ClinVar variation 665842 (VCV000665842.9), dbSNP rs1572019465, ClinGen allele CA915941960.

ClinVar aggregate classification (germline): Pathogenic (1 of 4 stars; one submission).

Conditions:
Hypokalemic periodic paralysis, type 1. Also called: Hypokalemic Periodic Paralysis Type 1 (AD); HypoPP. Identifiers: Orphanet 681, MedGen C3714580, MONDO:0042979, OMIM 170400.
Malignant hyperthermia, susceptibility to, 5 (MHS5). Also called: CACNA1S-Related Malignant Hyperthermia Susceptibility. Identifiers: Orphanet 423, MedGen C1866077, MONDO:0011163, OMIM 601887.

Submission:

Labcorp Genetics (formerly Invitae), Labcorp
Classification: Pathogenic for Hypokalemic periodic paralysis, type 1; Malignant hyperthermia, susceptibility to, 5. Last evaluated: 2023-05-29. Review status: criteria provided, single submitter. Criteria: Invitae Variant Classification Sherloc (09022015). Collection method: clinical testing. Allele origin: germline.
Comment: For these reasons, this variant has been classified as Pathogenic. ClinVar contains an entry for this variant (Variation ID: 665842). This variant has not been reported in the literature in individuals affected with CACNA1S-related conditions. This variant is not present in population databases (gnomAD no frequency). This sequence change creates a premature translational stop signal (p.Asn1624Argfs*9) in the CACNA1S gene. It is expected to result in an absent or disrupted protein product. Loss-of-function variants in CACNA1S are known to be pathogenic (PMID: 26247046, 28012042).

Literature cited by the submitters: PubMed 26247046; PubMed 28012042.